The following is an entry in ClinVar:

ClinVar aggregate classification (germline): Pathogenic/Likely pathogenic. Review status: criteria provided, multiple submitters, no conflicts (2 of 4 stars). 3 submissions from 3 submitters: Pathogenic (2); Likely pathogenic (1). Last evaluated 2024-05-10.

Conditions:
Mucolipidosis type II. Also called: Mucolipidosis 2; ML 2; Inclusion cell disease; Leroy Disease; N-acetylglucosamine 1phosphotransferase deficiency; ML disorder type 2. Identifiers: Orphanet 576, MedGen C2673377, MONDO:0009650, OMIM 252500.
Pseudo-Hurler polydystrophy. Also called: ML IIIA; Mucolipidosis III Alpha/Beta; MUCOLIPIDOSIS IIIA; ML III; ML III ALPHA/BETA; Type III Mucolipidosis. Identifiers: Orphanet 423461, Orphanet 577, MedGen C0033788, MONDO:0018931, OMIM 252600.
Mucolipidosis. Also called: Mucolipidoses. Identifiers: Orphanet 79212, MedGen C0026697, MONDO:0019248.
GNPTAB-mucolipidosis. Also called: UDP-N-acetylglucosamine-1-phosphotransferase subunit alpha/beta deficiency. Identifiers: MedGen CN322573, MONDO:0100122.

gnomAD v4.1: 1 of 1,613,266 alleles (0.000062%); highest among the groups gnomAD compares: Non-Finnish European, 0.000085%; no homozygotes.

Submissions (3):

Women's Health and Genetics/Laboratory Corporation of America, LabCorp
Classification: Pathogenic for Mucolipidosis. Last evaluated: 2024-05-10. Review status: criteria provided, single submitter. Criteria: LabCorp Variant Classification Summary - May 2015. Collection method: clinical testing. Allele origin: germline.
Comment: Variant summary: GNPTAB c.2682G>A (p.Trp894X) results in a premature termination codon, predicted to cause a truncation of the encoded protein or absence of the protein due to nonsense mediated decay, which are commonly known mechanisms for disease. The variant was absent in 251036 control chromosomes. To our knowledge, no occurrence of c.2682G>A in individuals affected with GNPTAB-related conditions and no experimental evidence demonstrating its impact on protein function have been reported. ClinVar contains an entry for this variant (Variation ID: 983859). Based on the evidence outlined above, the variant was classified as pathogenic.

Labcorp Genetics (formerly Invitae), Labcorp
Classification: Pathogenic for Pseudo-Hurler polydystrophy; Mucolipidosis type II. Last evaluated: 2022-02-03. Review status: criteria provided, single submitter. Criteria: Invitae Variant Classification Sherloc (09022015). Collection method: clinical testing. Allele origin: germline.
Comment: ClinVar contains an entry for this variant (Variation ID: 983859). This variant has not been reported in the literature in individuals affected with GNPTAB-related conditions. This variant is not present in population databases (gnomAD no frequency). This sequence change creates a premature translational stop signal (p.Trp894*) in the GNPTAB gene. It is expected to result in an absent or disrupted protein product. Loss-of-function variants in GNPTAB are known to be pathogenic (PMID: 19617216, 25107912). For these reasons, this variant has been classified as Pathogenic.

Myriad Genetics, Inc.
Classification: Likely pathogenic for GNPTAB-mucolipidosis. Last evaluated: 2019-02-09. Review status: criteria provided, single submitter. Criteria: Myriad Autosomal Dominant, Autosomal Recessive and X-Linked Classification Criteria (2023). Collection method: clinical testing. Allele origin: unknown.
Comment: NM_024312.4(GNPTAB):c.2682G>A(W894*) is expected to be pathogenic in the context of GNPTAB-related disorders. This variant is predicted to lead to an abnormal or absent protein product due to the creation of a premature termination codon in GNPTAB, a gene where loss-of-function variants are known to be pathogenic. Please note: this variant was assessed in the context of healthy population screening.

Literature cited by the submitters: PubMed 19617216 (cited by Labcorp Genetics (formerly Invitae), Labcorp); PubMed 25107912 (cited by Labcorp Genetics (formerly Invitae), Labcorp).

NM_024312.5(GNPTAB):c.2682G>A (p.Trp894Ter)

Gene: GNPTAB (N-acetylglucosamine-1-phosphate transferase subunits alpha and beta; minus strand). Cytogenetic location: 12q23.2.
Variant type: single nucleotide variant.
Coding change: c.2682G>A on transcript NM_024312.5 (MANE Select); coding-DNA position 2682, G replaced by A.
Protein change: p.Trp894Ter; replaces tryptophan 894 with a stop codon.
Molecular consequence: nonsense.
Genome position (GRCh38, 1-based): chr12:101,764,235, C>T on the plus strand (G>A on the coding strand, the complement: GNPTAB is on the minus strand). VCF-style: chr12-101764235-C-T. GRCh37 (hg19) VCF-style: chr12-102158013-C-T.
Other names: short protein forms W894*.
Identifiers: ClinVar variation 983859 (VCV000983859.9), dbSNP rs779927550, ClinGen allele CA386297461.